The following is an entry in ClinVar:

NM_001127208.3(TET2):c.2366A>G (p.Asn789Ser)

Genes: TET2 (tet methylcytosine dioxygenase 2; plus strand), TET2-AS1 (TET2 antisense RNA 1; minus strand). Cytogenetic location: 4q24.
Variant type: single nucleotide variant.
Coding change: c.2366A>G on transcript NM_001127208.3 (MANE Select); coding-DNA position 2366, A replaced by G.
Protein change: p.Asn789Ser; replaces asparagine 789 with serine.
Molecular consequence: missense variant.
Genome position (GRCh38, 1-based): chr4:105,236,308, A>G. VCF-style: chr4-105236308-A-G. GRCh37 (hg19) VCF-style: chr4-106157465-A-G.
Other names: c.2366A>G, p.Asn789Ser (NM_017628.4); short protein forms N789S.
Identifiers: ClinVar variation 3805957 (VCV003805957.1).

ClinVar aggregate classification (germline): Uncertain significance (1 of 4 stars; one submission).

gnomAD v4.1: 1 of 1,613,952 alleles (0.000062%); highest among the groups gnomAD compares: African/African-American, 0.0013%; no homozygotes.

Submission:

Ambry Genetics
Classification: Uncertain significance. Last evaluated: 2025-01-13. Review status: criteria provided, single submitter. Criteria: Ambry Variant Classification Scheme 2023. Collection method: clinical testing. Allele origin: germline.
Comment: The p.N789S variant (also known as c.2366A>G), located in coding exon 1 of the TET2 gene, results from an A to G substitution at nucleotide position 2366. The asparagine at codon 789 is replaced by serine, an amino acid with highly similar properties. This amino acid position is conserved. In addition, this alteration is predicted to be tolerated by in silico analysis. Based on the available evidence, the clinical significance of this variant remains unclear.